The following is an entry in ClinVar:

ClinVar aggregate classification (germline): Uncertain significance (1 of 4 stars; one submission).

gnomAD v4.1: 27 of 1,613,884 alleles (0.0017%); highest among the groups gnomAD compares: Admixed American, 0.017%; no homozygotes.

Submission:

GeneDx
Classification: Uncertain significance. Last evaluated: 2026-06-03. Review status: criteria provided, single submitter. Criteria: GeneDx Variant Classification Process June 2021. Collection method: clinical testing. Allele origin: germline.
Comment: In silico analysis suggests that this missense variant does not alter protein structure/function; Has not been previously published as pathogenic or benign to our knowledge

NM_001287491.2(TET3):c.1339C>T (p.Arg447Trp)

Gene: TET3 (tet methylcytosine dioxygenase 3; plus strand). Cytogenetic location: 2p13.1.
Variant type: single nucleotide variant.
Coding change: c.1339C>T on transcript NM_001287491.2 (MANE Select); coding-DNA position 1339, C replaced by T.
Protein change: p.Arg447Trp; replaces arginine 447 with tryptophan.
Molecular consequence: missense variant.
Genome position (GRCh38, 1-based): chr2:74,047,256, C>T. VCF-style: chr2-74047256-C-T. GRCh37 (hg19) VCF-style: chr2-74274383-C-T.
Other names: c.1060C>T, p.Arg354Trp (NM_001366022.1); short protein forms R354W, R447W.
Identifiers: ClinVar variation 3390649 (VCV003390649.2).
Genomic context (GRCh38, chr2:74,047,256, plus strand): 5'-GCAACTCCTAGAACTGAGTTCCCTGAAGCCTGGGGCACTGACACCCCTCCAGCAACGCCC[C>T]GGAGCTCCTGGCCCATGCCTCGCCCAAGCCCCGATCCCATGGCTGAACTGGAGCAGTTGT-3'
Protein context (NP_001274420.1, residues 437-457): WGTDTPPATP[Arg447Trp]SSWPMPRPSP